The following is an entry in ClinVar:

ClinVar aggregate classification (germline): Pathogenic (1 of 4 stars; one submission).

Submission:

Labcorp Genetics (formerly Invitae), Labcorp
Classification: Pathogenic. Last evaluated: 2024-01-22. Review status: criteria provided, single submitter. Criteria: Invitae Variant Classification Sherloc (09022015). Collection method: clinical testing. Allele origin: germline.
Comment: This sequence change creates a premature translational stop signal (p.Leu2386Valfs*25) in the VPS13A gene. It is expected to result in an absent or disrupted protein product. Loss-of-function variants in VPS13A are known to be pathogenic (PMID: 12404112, 21598378). This variant is not present in population databases (gnomAD no frequency). This variant has not been reported in the literature in individuals affected with VPS13A-related conditions. ClinVar contains an entry for this variant (Variation ID: 1073165). For these reasons, this variant has been classified as Pathogenic.

Literature cited by the submitters: PubMed 12404112; PubMed 21598378.

NM_033305.3(VPS13A):c.7154_7155insAGTA (p.Leu2386fs)

Gene: VPS13A (vacuolar protein sorting 13 homolog A; plus strand). Cytogenetic location: 9q21.2.
Variant type: Insertion.
Coding change: c.7154_7155insAGTA on transcript NM_033305.3 (MANE Select); coding-DNA positions 7154 to 7155, AGTA inserted.
Protein change: p.Leu2386fs; shifts the reading frame from leucine 2386.
Molecular consequence: frameshift variant.
Genome position: GRCh38 VCF-style: chr9-77344279-G-GAAGT. GRCh37 (hg19) VCF-style: chr9-79959195-G-GAAGT.
Other names: c.7037_7038insAGTA, p.Leu2347fs (NM_001018037.2); c.7154_7155insAGTA, p.Leu2386fs (NM_001018038.3, NM_015186.4); short protein forms L2347fs, L2386fs.
Identifiers: ClinVar variation 1073165 (VCV001073165.7), dbSNP rs778985780, ClinGen allele CA867080478.